The following is an entry in ClinVar:

ClinVar aggregate classification (germline): Uncertain significance (1 of 4 stars; one submission).

Conditions:
Bloom syndrome (BLM). Also called: Bloom-Torre-Machacek syndrome. Identifiers: Orphanet 125, MedGen C0005859, MONDO:0008876, OMIM 210900.

Submission:

Labcorp Genetics (formerly Invitae), Labcorp
Classification: Uncertain significance for Bloom syndrome. Last evaluated: 2024-04-22. Review status: criteria provided, single submitter. Criteria: Invitae Variant Classification Sherloc (09022015). Collection method: clinical testing. Allele origin: germline.
Comment: This sequence change replaces proline, which is neutral and non-polar, with serine, which is neutral and polar, at codon 172 of the BLM protein (p.Pro172Ser). This variant is not present in population databases (gnomAD no frequency). This variant has not been reported in the literature in individuals affected with BLM-related conditions. An algorithm developed to predict the effect of missense changes on protein structure and function (PolyPhen-2) suggests that this variant is likely to be tolerated. In summary, the available evidence is currently insufficient to determine the role of this variant in disease. Therefore, it has been classified as a Variant of Uncertain Significance.

NM_000057.4(BLM):c.514C>T (p.Pro172Ser)

Gene: BLM (BLM RecQ like helicase; plus strand). Cytogenetic location: 15q26.1.
Variant type: single nucleotide variant.
Coding change: c.514C>T on transcript NM_000057.4 (MANE Select); coding-DNA position 514, C replaced by T.
Protein change: p.Pro172Ser; replaces proline 172 with serine.
Molecular consequence: missense variant. On other transcripts: 5 prime UTR variant (1).
Genome position (GRCh38, 1-based): chr15:90,749,782, C>T. VCF-style: chr15-90749782-C-T. GRCh37 (hg19) VCF-style: chr15-91293012-C-T.
Other names: c.514C>T, p.Pro172Ser (NM_001287246.2, NM_001287247.2); c.-778C>T (NM_001287248.2); short protein forms P172S.
Identifiers: ClinVar variation 2732601 (VCV002732601.3), dbSNP rs1163233988, ClinGen allele CA393840953.